The following is an entry in ClinVar:

ClinVar aggregate classification (germline): Uncertain significance. Review status: criteria provided, multiple submitters, no conflicts (2 of 4 stars). 2 submissions from 2 submitters: Uncertain significance (2). Last evaluated 2026-06-03.

Allele frequency attached by ClinVar (database versions not stated): TOPMed 0.00005; gnomAD exomes 0.00007; ExAC 0.00002; gnomAD 0.00007.
gnomAD v4.1: 113 of 1,613,752 alleles (0.007%); highest among the groups gnomAD compares: Non-Finnish European, 0.0093%; no homozygotes.

Submissions (2):

Ambry Genetics
Classification: Uncertain significance. Last evaluated: 2026-06-03. Review status: criteria provided, single submitter. Criteria: Ambry Variant Classification Scheme 2023. Collection method: clinical testing. Allele origin: germline.

Labcorp Genetics (formerly Invitae), Labcorp
Classification: Uncertain significance. Last evaluated: 2022-11-14. Review status: criteria provided, single submitter. Criteria: Invitae Variant Classification Sherloc (09022015). Collection method: clinical testing. Allele origin: germline.
Comment: Advanced modeling of protein sequence and biophysical properties (such as structural, functional, and spatial information, amino acid conservation, physicochemical variation, residue mobility, and thermodynamic stability) performed at Invitae indicates that this missense variant is expected to disrupt MYH7B protein function. This variant has not been reported in the literature in individuals affected with MYH7B-related conditions. This variant is present in population databases (rs754546838, gnomAD 0.008%). This sequence change replaces asparagine, which is neutral and polar, with aspartic acid, which is acidic and polar, at codon 745 of the MYH7B protein (p.Asn745Asp). In summary, the available evidence is currently insufficient to determine the role of this variant in disease. Therefore, it has been classified as a Variant of Uncertain Significance.

NM_020884.7(MYH7B):c.2107A>G (p.Asn703Asp)

Gene: MYH7B (myosin heavy chain 7B; plus strand). Cytogenetic location: 20q11.22.
Variant type: single nucleotide variant.
Coding change: c.2107A>G on transcript NM_020884.7 (MANE Select); coding-DNA position 2107, A replaced by G.
Protein change: p.Asn703Asp; replaces asparagine 703 with aspartic acid.
Molecular consequence: missense variant.
Genome position (GRCh38, 1-based): chr20:34,991,045, A>G. VCF-style: chr20-34991045-A-G. GRCh37 (hg19) VCF-style: chr20-33578848-A-G.
Other names: short protein forms N703D.
Identifiers: ClinVar variation 2523434 (VCV002523434.6), dbSNP rs754546838, ClinGen allele CA9827227.